The following is an entry in ClinVar:

NM_007294.4(BRCA1):c.5308G>T (p.Gly1770Trp)

Gene: BRCA1 (BRCA1 DNA repair associated; minus strand). Cytogenetic location: 17q21.31.
Variant type: single nucleotide variant.
Coding change: c.5308G>T on transcript NM_007294.4 (MANE Select); coding-DNA position 5308, G replaced by T.
Protein change: p.Gly1770Trp; replaces glycine 1770 with tryptophan.
Molecular consequence: missense variant. On other transcripts: non-coding transcript variant (1).
Genome position (GRCh38, 1-based): chr17:43,051,087, C>A on the plus strand (G>T on the coding strand, the complement: BRCA1 is on the minus strand). VCF-style: chr17-43051087-C-A. GRCh37 (hg19) VCF-style: chr17-41203104-C-A.
Other names: c.5044G>T, p.Gly1682Trp (NM_001407925.1, NM_001407926.1, NM_001407920.1 and 4 more transcripts); c.5185G>T, p.Gly1729Trp (NM_001407937.1, NM_001407938.1, NM_001407664.1 and 5 more transcripts); c.5182G>T, p.Gly1728Trp (NM_001407939.1, NM_001407940.1, NM_001407679.1 and 10 more transcripts); c.5179G>T, p.Gly1727Trp (NM_001407941.1, NM_001407681.1, NM_001407682.1 and 6 more transcripts); c.5167G>T, p.Gly1723Trp (NM_001407942.1, NM_007297.4, NM_001407725.1 and 13 more transcripts); c.5164G>T, p.Gly1722Trp (NM_001407943.1, NM_001407944.1, NM_001407945.1 and 21 more transcripts); c.4969G>T, p.Gly1657Trp (NM_001407956.1, NM_001407957.1, NM_001407958.1); c.4927G>T, p.Gly1643Trp (NM_001407959.1); and 72 more; short protein forms G666W, G1791W, G1723W, G1770W, G1657W, G1659W, G1681W, G1728W.
Identifiers: ClinVar variation 867979 (VCV000867979.3), dbSNP rs2051203696, ClinGen allele CA10590931.

Conditions:
Breast-ovarian cancer, familial, susceptibility to, 1 (BROVCA1). Also called: BRCA1 Hereditary Breast and Ovarian Cancer; OVARIAN CANCER, SUSCEPTIBILITY TO. Identifiers: Orphanet 145, MedGen C2676676, MONDO:0011450, OMIM 604370. Disease mechanism: loss of function.

Submission:

Brotman Baty Institute, University of Washington
No classification provided (evidence only). Condition: Breast-ovarian cancer, familial 1. Review status: no classification provided. Collection method: in vitro. Allele origin: not applicable. Functional consequence: functionally_abnormal.
ClinVar note: "not provided" was previously submitted as the classification for the variant. However, the classification appeared to be based only on an observation of functional data so it was converted to no classification on 2025-07-30.